The following is an entry in ClinVar:

NM_001164508.2(NEB):c.21302T>G (p.Leu7101Trp)

Gene: NEB (nebulin; minus strand). Cytogenetic location: 2q23.3.
Variant type: single nucleotide variant.
Coding change: c.21302T>G on transcript NM_001164508.2 (MANE Select); coding-DNA position 21302, T replaced by G.
Protein change: p.Leu7101Trp; replaces leucine 7101 with tryptophan.
Molecular consequence: missense variant.
Genome position (GRCh38, 1-based): chr2:151,535,701, A>C on the plus strand (T>G on the coding strand, the complement: NEB is on the minus strand). VCF-style: chr2-151535701-A-C. GRCh37 (hg19) VCF-style: chr2-152392215-A-C.
Other names: p.Leu7101Trp; c.21302T>G, p.Leu7101Trp (NM_001164507.2, NM_001271208.2); c.16199T>G, p.Leu5400Trp (NM_004543.5); short protein forms L5400W, L7101W.
Identifiers: ClinVar variation 1727212 (VCV001727212.2), dbSNP rs2552147105, ClinGen allele CA348772733.

ClinVar aggregate classification (germline): Uncertain significance (1 of 4 stars; one submission).

Conditions:
Arthrogryposis multiplex congenita 6. Identifiers: MedGen C5543431, MONDO:0030281, OMIM 619334.

Submission:

Foundation for Research in Genetics and Endocrinology, FRIGE's Institute of Human Genetics
Classification: Uncertain significance for Arthrogryposis multiplex congenita 6. Last evaluated: 2022-10-25. Review status: criteria provided, single submitter. Criteria: ACMG Guidelines, 2015. Collection method: clinical testing. Allele origin: germline. Inheritance: Autosomal recessive inheritance. Affected: yes. Observed: 1 heterozygote.
Comment: A heterozygous missense variation in exon 142 of the NEB gene that results in the amino acid substitution of Tryptophan for Leucine at codon 7101 was detected . The p.Leu7101Trp variant has not been reported in the 1000 genomes, gnomAD, and in our internal databases. The in silico predictions of the variant are probably damaging by PolyPhen-2 (HumDiv) and damaging by SIFT and LRT. The reference codon is conserved across species. In summary, the variant meets our criteria to be classified as a variant of uncertain significance.